The following is an entry in ClinVar:

NM_015662.3(IFT172):c.3850C>T (p.Arg1284Ter)

Genes: IFT172 (intraflagellar transport 172; minus strand), LOC126806173 (BRD4-independent group 4 enhancer GRCh37_chr2:27676057-27677256; plus strand). Cytogenetic location: 2p23.3.
Variant type: single nucleotide variant.
Coding change: c.3850C>T on transcript NM_015662.3 (MANE Select); coding-DNA position 3850, C replaced by T.
Protein change: p.Arg1284Ter; replaces arginine 1284 with a stop codon.
Molecular consequence: nonsense.
Genome position (GRCh38, 1-based): chr2:27,453,485, G>A on the plus strand (C>T on the coding strand, the complement: IFT172 is on the minus strand). VCF-style: chr2-27453485-G-A. GRCh37 (hg19) VCF-style: chr2-27676352-G-A.
Other names: short protein forms R1284*.
Identifiers: ClinVar variation 866056 (VCV000866056.12), dbSNP rs1366937730, ClinGen allele CA346377792.

ClinVar aggregate classification (germline): Pathogenic/Likely pathogenic. Review status: criteria provided, multiple submitters, no conflicts (2 of 4 stars). 2 submissions from 2 submitters: Pathogenic (1); Likely pathogenic (1). Last evaluated 2023-10-11.

Conditions:
Short-rib thoracic dysplasia 10 with or without polydactyly (SRTD10). Identifiers: Orphanet 474, MedGen C3810175, MONDO:0014284, OMIM 615630.
Retinitis pigmentosa 71 (RP71). Identifiers: Orphanet 791, MedGen C4225342, MONDO:0014618, OMIM 616394.
IFT172-related disorder. Also called: IFT172-related condition; IFT172-related disorders.

Allele frequency attached by ClinVar (database versions not stated): TOPMed below 0.00001.
gnomAD v4.1: 14 of 1,614,096 alleles (0.00087%); highest among the groups gnomAD compares: Admixed American, 0.0017%; no homozygotes.

Submissions (2):

Blueprint Genetics
Classification: Likely pathogenic for IFT172-related disorders. Last evaluated: 2023-10-11. Review status: criteria provided, single submitter. Criteria: ACMG Guidelines, 2015. Collection method: clinical testing. Allele origin: germline. Affected: yes. Observed: 2 variant alleles.

Labcorp Genetics (formerly Invitae), Labcorp
Classification: Pathogenic for Retinitis pigmentosa 71; Short-rib thoracic dysplasia 10 with or without polydactyly. Last evaluated: 2023-07-17. Review status: criteria provided, single submitter. Criteria: Invitae Variant Classification Sherloc (09022015). Collection method: clinical testing. Allele origin: germline.
Comment: This sequence change creates a premature translational stop signal (p.Arg1284*) in the IFT172 gene. It is expected to result in an absent or disrupted protein product. Loss-of-function variants in IFT172 are known to be pathogenic (PMID: 24140113). For these reasons, this variant has been classified as Pathogenic. ClinVar contains an entry for this variant (Variation ID: 866056). This premature translational stop signal has been observed in individual(s) with retinitis pigmentosa (PMID: 28559085). This variant is present in population databases (no rsID available, gnomAD 0.003%).

Literature cited by the submitters: PubMed 24140113 (cited by Labcorp Genetics (formerly Invitae), Labcorp); PubMed 28559085 (cited by Labcorp Genetics (formerly Invitae), Labcorp).